The following is an entry in ClinVar:

ClinVar aggregate classification (germline): Uncertain significance. Review status: criteria provided, multiple submitters, no conflicts (2 of 4 stars). 3 submissions from 3 submitters: Uncertain significance (3). Last evaluated 2025-03-24.

Conditions:
Hyperekplexia 2 (HKPX2). Identifiers: Orphanet 3197, MedGen C3553291, MONDO:0013828, OMIM 614619.
Inborn genetic diseases. Identifiers: MedGen C0950123, MeSH D030342.

Allele frequency attached by ClinVar (database versions not stated): gnomAD 0.00002 and 0.00003; ExAC 0.00003; TOPMed 0.00003; gnomAD exomes 0.00004 and 0.00010; 1000 Genomes Project 30x 0.00016; 1000 Genomes Project 0.00020.

Submissions (3):

Ambry Genetics
Classification: Uncertain significance for Inborn genetic diseases. Last evaluated: 2025-03-24. Review status: criteria provided, single submitter. Criteria: Ambry Variant Classification Scheme 2023. Collection method: clinical testing. Allele origin: germline.

Labcorp Genetics (formerly Invitae), Labcorp
Classification: Uncertain significance for Hyperekplexia 2. Last evaluated: 2022-08-08. Review status: criteria provided, single submitter. Criteria: Invitae Variant Classification Sherloc (09022015). Collection method: clinical testing. Allele origin: germline.
Comment: This sequence change replaces aspartic acid, which is acidic and polar, with valine, which is neutral and non-polar, at codon 126 of the GLRB protein (p.Asp126Val). This variant is present in population databases (rs201218410, gnomAD 0.007%). This variant has not been reported in the literature in individuals affected with GLRB-related conditions. ClinVar contains an entry for this variant (Variation ID: 902676). Algorithms developed to predict the effect of missense changes on protein structure and function (SIFT, PolyPhen-2, Align-GVGD) all suggest that this variant is likely to be disruptive. In summary, the available evidence is currently insufficient to determine the role of this variant in disease. Therefore, it has been classified as a Variant of Uncertain Significance.

Illumina Laboratory Services, Illumina
Classification: Uncertain significance for Hyperekplexia 2. Last evaluated: 2018-01-17. Review status: criteria provided, single submitter. Criteria: ICSL Variant Classification Criteria 13 December 2019. Collection method: clinical testing. Allele origin: germline.

NM_000824.5(GLRB):c.377A>T (p.Asp126Val)

Gene: GLRB (glycine receptor beta; plus strand). Cytogenetic location: 4q32.1.
Variant type: single nucleotide variant.
Coding change: c.377A>T on transcript NM_000824.5 (MANE Select); coding-DNA position 377, A replaced by T.
Protein change: p.Asp126Val; replaces aspartic acid 126 with valine.
Molecular consequence: missense variant.
Genome position (GRCh38, 1-based): chr4:157,136,548, A>T. VCF-style: chr4-157136548-A-T. GRCh37 (hg19) VCF-style: chr4-158057700-A-T.
Other names: c.377A>T, p.Asp126Val (NM_001166060.2, NM_001166061.2); short protein forms D126V.
Identifiers: ClinVar variation 902676 (VCV000902676.7), dbSNP rs201218410, ClinGen allele CA3119740.